The following is an entry in ClinVar:

NM_000521.4(HEXB):c.176T>C (p.Leu59Pro)

Gene: HEXB (hexosaminidase subunit beta; plus strand). Cytogenetic location: 5q13.3.
Variant type: single nucleotide variant.
Coding change: c.176T>C on transcript NM_000521.4 (MANE Select); coding-DNA position 176, T replaced by C.
Protein change: p.Leu59Pro; replaces leucine 59 with proline.
Molecular consequence: missense variant. On other transcripts: intron variant (1).
Genome position (GRCh38, 1-based): chr5:74,685,436, T>C. VCF-style: chr5-74685436-T-C. GRCh37 (hg19) VCF-style: chr5-73981261-T-C.
Other names: c.-376-3892T>C (NM_001292004.2); short protein forms L59P.
Identifiers: ClinVar variation 1397605 (VCV001397605.5), dbSNP rs774155487, ClinGen allele CA3305753.
Genomic context (GRCh38, chr5:74,685,436, plus strand): 5'-TGGCGGAGGCGGCTCGGGCCCCGAGCGTCTCGGCCAAGCCGGGGCCGGCGCTGTGGCCCC[T>C]GCCGCTCTTGGTGAAGATGACCCCGAACCTGCTGCATCTCGCCCCGGAGAACTTCTACAT-3'
Protein context (NP_000512.2, residues 49-69): SAKPGPALWP[Leu59Pro]PLLVKMTPNL

ClinVar aggregate classification (germline): Uncertain significance. Review status: criteria provided, multiple submitters, no conflicts (2 of 4 stars). 3 submissions from 3 submitters: Uncertain significance (3). Last evaluated 2025-06-16.

Conditions:
Sandhoff disease. Also called: Beta-hexosaminidase-beta-subunit deficiency; GM2 gangliosidosis, type 2; Total hexosaminidase deficiency; Sandhoff-Jatzkewitz-Pilz disease; GM2-GANGLIOSIDOSIS, TYPE II; HEXOSAMINIDASES A AND B DEFICIENCY. Identifiers: Orphanet 796, MedGen C0036161, MONDO:0010006, OMIM 268800.
Inborn genetic diseases. Identifiers: MedGen C0950123, MeSH D030342.

Allele frequency attached by ClinVar (database versions not stated): gnomAD exomes 0.00001; TOPMed 0.00001.
gnomAD v4.1: 14 of 1,608,618 alleles (0.00087%); highest among the groups gnomAD compares: Non-Finnish European, 0.0012%; no homozygotes.

Submissions (3):

Ambry Genetics
Classification: Uncertain significance for Inborn genetic diseases. Last evaluated: 2025-06-16. Review status: criteria provided, single submitter. Criteria: Ambry Variant Classification Scheme 2023. Collection method: clinical testing. Allele origin: germline.

Labcorp Genetics (formerly Invitae), Labcorp
Classification: Uncertain significance for Sandhoff disease. Last evaluated: 2022-09-25. Review status: criteria provided, single submitter. Criteria: Invitae Variant Classification Sherloc (09022015). Collection method: clinical testing. Allele origin: germline.
Comment: This sequence change replaces leucine, which is neutral and non-polar, with proline, which is neutral and non-polar, at codon 59 of the HEXB protein (p.Leu59Pro). This variant is not present in population databases (gnomAD no frequency). This variant has not been reported in the literature in individuals affected with HEXB-related conditions. ClinVar contains an entry for this variant (Variation ID: 1397605). Advanced modeling of protein sequence and biophysical properties (such as structural, functional, and spatial information, amino acid conservation, physicochemical variation, residue mobility, and thermodynamic stability) has been performed at Invitae for this missense variant, however the output from this modeling did not meet the statistical confidence thresholds required to predict the impact of this variant on HEXB protein function. In summary, the available evidence is currently insufficient to determine the role of this variant in disease. Therefore, it has been classified as a Variant of Uncertain Significance.

Women's Health and Genetics/Laboratory Corporation of America, LabCorp
Classification: Uncertain significance. Last evaluated: 2022-05-10. Review status: criteria provided, single submitter. Criteria: LabCorp Variant Classification Summary - May 2015. Collection method: clinical testing. Allele origin: germline.
Comment: Variant summary: HEXB c.176T>C (p.Leu59Pro) results in a non-conservative amino acid change located in the Beta-hexosaminidase, eukaryotic type, N-terminal domain (IPR029019) of the encoded protein sequence. Three of five in-silico tools predict a benign effect of the variant on protein function. The variant was absent in 234092 control chromosomes. The available data on variant occurrences in the general population are insufficient to allow any conclusion about variant significance. To our knowledge, no occurrence of c.176T>C in individuals affected with Sandhoff Disease and no experimental evidence demonstrating its impact on protein function have been reported. One clinical diagnostic laboratory has submitted clinical-significance assessments for this variant to ClinVar after 2014 and classified the variant as uncertain significance. Based on the evidence outlined above, the variant was classified as uncertain significance.